The following is an entry in ClinVar:

ClinVar aggregate classification (germline): Uncertain significance. Review status: criteria provided, multiple submitters, no conflicts (2 of 4 stars). 2 submissions from 2 submitters: Uncertain significance (2). Last evaluated 2022-08-30.

Conditions:
Methylmalonic acidemia with homocystinuria, type cblX (MAHCX). Also called: INTELLECTUAL DEVELOPMENTAL DISORDER, X-LINKED 3. Identifiers: Orphanet 369962, MedGen C0796208, MONDO:0010657, OMIM 309541.
Inborn genetic diseases. Identifiers: MedGen C0950123, MeSH D030342.

Allele frequency attached by ClinVar (database versions not stated): gnomAD exomes 0.00001.
gnomAD v4.1: 7 of 1,211,279 alleles (0.00058%); highest among the groups gnomAD compares: Non-Finnish European, 0.00067%; no homozygotes.

Submissions (2):

Ambry Genetics
Classification: Uncertain significance for Inborn genetic diseases. Last evaluated: 2022-08-30. Review status: criteria provided, single submitter. Criteria: Ambry Variant Classification Scheme 2023. Collection method: clinical testing. Allele origin: germline.

Labcorp Genetics (formerly Invitae), Labcorp
Classification: Uncertain significance for Methylmalonic acidemia with homocystinuria, type cblX. Last evaluated: 2021-06-02. Review status: criteria provided, single submitter. Criteria: Invitae Variant Classification Sherloc (09022015). Collection method: clinical testing. Allele origin: germline.
Comment: In summary, the available evidence is currently insufficient to determine the role of this variant in disease. Therefore, it has been classified as a Variant of Uncertain Significance. Algorithms developed to predict the effect of missense changes on protein structure and function are either unavailable or do not agree on the potential impact of this missense change (SIFT: "Deleterious"; PolyPhen-2: "Probably Damaging"; Align-GVGD: "Class C0"). This variant has not been reported in the literature in individuals with HCFC1-related conditions. This variant is not present in population databases (ExAC no frequency). This sequence change replaces alanine with threonine at codon 1597 of the HCFC1 protein (p.Ala1597Thr). The alanine residue is moderately conserved and there is a small physicochemical difference between alanine and threonine.

NM_005334.3(HCFC1):c.4789G>A (p.Ala1597Thr)

Gene: HCFC1 (host cell factor C1; minus strand). Cytogenetic location: Xq28.
Variant type: single nucleotide variant.
Coding change: c.4789G>A on transcript NM_005334.3 (MANE Select); coding-DNA position 4789, G replaced by A.
Protein change: p.Ala1597Thr; replaces alanine 1597 with threonine.
Molecular consequence: missense variant.
Genome position (GRCh38, 1-based): chrX:153,952,667, C>T on the plus strand (G>A on the coding strand, the complement: HCFC1 is on the minus strand). VCF-style: chrX-153952667-C-T. GRCh37 (hg19) VCF-style: chrX-153218118-C-T.
Other names: c.4789G>A (NM_005334.2); short protein forms A1597T.
Identifiers: ClinVar variation 1462377 (VCV001462377.9), dbSNP rs1557112927, ClinGen allele CA415110051.